The following is an entry in ClinVar:

ClinVar aggregate classification (germline): Pathogenic/Likely pathogenic. Review status: criteria provided, multiple submitters, no conflicts (2 of 4 stars). 2 submissions from 2 submitters: Pathogenic (1); Likely pathogenic (1). Last evaluated 2022-11-02.

Conditions:
X-linked Emery-Dreifuss muscular dystrophy. Also called: Muscular dystrophy, tardive Emery-Dreifuss type, with contractures. Identifiers: Orphanet 261, Orphanet 98863, MedGen C0751337, MONDO:0010680.
Emery-Dreifuss muscular dystrophy 1, X-linked (EDMD1). Also called: Muscular dystrophy, tardive, Dreifuss-Emery type, with contractures; SCAPULOPERONEAL SYNDROME, X-LINKED; HUMEROPERONEAL NEUROMUSCULAR DISEASE; EMD-Related Emery-Dreifuss Muscular Dystrophy, X-Linked. Identifiers: MedGen CN375556, MONDO:0100531, OMIM 310300.

Submissions (2):

Revvity Omics, Revvity
Classification: Likely pathogenic for Emery-Dreifuss muscular dystrophy 1, X-linked. Last evaluated: 2022-11-02. Review status: criteria provided, single submitter. Criteria: ACMG Guidelines, 2015. Collection method: clinical testing. Allele origin: germline.

Labcorp Genetics (formerly Invitae), Labcorp
Classification: Pathogenic for X-linked Emery-Dreifuss muscular dystrophy. Last evaluated: 2022-09-24. Review status: criteria provided, single submitter. Criteria: Invitae Variant Classification Sherloc (09022015). Collection method: clinical testing. Allele origin: germline.
Comment: This sequence change creates a premature translational stop signal (p.Leu225Profs*12) in the EMD gene. While this is not anticipated to result in nonsense mediated decay, it is expected to disrupt the last 30 amino acid(s) of the EMD protein. This variant is not present in population databases (gnomAD no frequency). This premature translational stop signal has been observed in individual(s) with clinical features of Emery-Dreifuss muscular dystrophy (Invitae). This variant disrupts a region of the EMD protein in which other variant(s) (p.Trp226*) have been determined to be pathogenic (PMID: 8589715, 15967842). This suggests that this is a clinically significant region of the protein, and that variants that disrupt it are likely to be disease-causing. For these reasons, this variant has been classified as Pathogenic.

Literature cited by the submitters: PubMed 8589715 (cited by Labcorp Genetics (formerly Invitae), Labcorp); PubMed 15967842 (cited by Labcorp Genetics (formerly Invitae), Labcorp).

NM_000117.3(EMD):c.674del (p.Leu225fs)

Gene: EMD (emerin; plus strand). Cytogenetic location: Xq28.
Variant type: Deletion.
Coding change: c.674del on transcript NM_000117.3 (MANE Select); coding-DNA position 674, one base deleted (T; older notation c.674delT).
Protein change: p.Leu225fs; shifts the reading frame from leucine 225.
Molecular consequence: frameshift variant.
Genome position (GRCh38, 1-based): chrX:154,381,106, T deleted. VCF-style (leftmost placement, unchanged base first): chrX-154381105-CT-C. GRCh37 (hg19) VCF-style: chrX-153609465-CT-C.
Other names: short protein forms L225fs.
Identifiers: ClinVar variation 2032371 (VCV002032371.7), dbSNP rs2522790689, ClinGen allele CA2580101773.